The following is an entry in ClinVar:

NM_005632.3(CAPN15):c.2848A>G (p.Thr950Ala)

Gene: CAPN15 (calpain 15; plus strand). Cytogenetic location: 16p13.3.
Variant type: single nucleotide variant.
Coding change: c.2848A>G on transcript NM_005632.3 (MANE Select); coding-DNA position 2848, A replaced by G.
Protein change: p.Thr950Ala; replaces threonine 950 with alanine.
Molecular consequence: missense variant.
Genome position (GRCh38, 1-based): chr16:552,715, A>G. VCF-style: chr16-552715-A-G. GRCh37 (hg19) VCF-style: chr16-602715-A-G.
Other names: short protein forms T950A.
Identifiers: ClinVar variation 3350336 (VCV003350336.1).
Genomic context (GRCh38, chr16:552,715, plus strand): 5'-CACGTGCTGGCTGTGTACAGCTCGAGGCTGGTCATGGTGGAGCCCGTGGAAGCCCAGCCG[A>G]CCACGCTGGCCGACGCCATCATCCTGCTCACCGAGAGCCGCGGAGAGCGGCACGAGGTGG-3'
Protein context (NP_005623.1, residues 940-960): VMVEPVEAQP[Thr950Ala]TLADAIILLT

ClinVar aggregate classification (germline): Uncertain significance (0 of 4 stars; one submission).

Conditions:
CAPN15-related disorder. Also called: CAPN15-related condition.

gnomAD v4.1: 1 of 1,543,070 alleles (0.000065%); no homozygotes.

Submission:

PreventionGenetics, part of Exact Sciences
Classification: Uncertain significance for CAPN15-related condition. Last evaluated: 2024-03-22. Review status: no assertion criteria provided. Collection method: clinical testing. Allele origin: germline.
Comment: The CAPN15 c.2848A>G variant is predicted to result in the amino acid substitution p.Thr950Ala. To our knowledge, this variant has not been reported in the literature or in a large population database, indicating this variant is rare. At this time, the clinical significance of this variant is uncertain due to the absence of conclusive functional and genetic evidence.